The following is an entry in ClinVar:

ClinVar aggregate classification (germline): Pathogenic (1 of 4 stars; one submission).

Conditions:
Autosomal recessive limb-girdle muscular dystrophy. Identifiers: Orphanet 102015, MedGen C2931907, MONDO:0015152.

Submission:

Myriad Genetics, Inc.
Classification: Pathogenic for Autosomal recessive limb-girdle muscular dystrophy. Last evaluated: 2023-09-27. Review status: criteria provided, single submitter. Criteria: Myriad Autosomal Dominant, Autosomal Recessive and X-Linked Classification Criteria (2023). Collection method: clinical testing. Allele origin: unknown.
Comment: NM_003494.3(DYSF):c.544dupG(A182Gfs*29) is expected to be pathogenic in the context of dysferlinopathy. This variant is predicted to lead to an abnormal or absent protein product due to the creation of a premature termination codon in DYSF, a gene where loss-of-function variants are known to be pathogenic. Please note: this variant was assessed in the context of healthy population screening.

NM_001130987.2(DYSF):c.640dup (p.Ala214fs)

Gene: DYSF (dysferlin; plus strand). Cytogenetic location: 2p13.2.
Variant type: Duplication.
Coding change: c.640dup on transcript NM_001130987.2 (MANE Select); coding-DNA position 640, one base duplicated (G; older notation c.640dupG).
Protein change: p.Ala214fs; shifts the reading frame from alanine 214.
Molecular consequence: frameshift variant.
Genome position (GRCh38, 1-based): chr2:71,513,802, G duplicated; the last of 5 consecutive G bases (chr2:71,513,798-71,513,802); duplicating any one gives the same sequence. VCF-style (leftmost placement, unchanged base first): chr2-71513797-C-CG. GRCh37 (hg19) VCF-style: chr2-71740927-C-CG.
Other names: c.547dup, p.Ala183fs (NM_001130455.2, NM_001130983.2, NM_001130984.2 and 1 more transcripts); c.544dup, p.Ala182fs (NM_001130976.2, NM_001130977.2, NM_001130978.2 and 1 more transcripts); c.637dup, p.Ala213fs (NM_001130979.2, NM_001130980.2, NM_001130981.2); c.640dup, p.Ala214fs (NM_001130982.2, NM_001130985.2); short protein forms A182fs, A183fs, A213fs, A214fs.
Identifiers: ClinVar variation 5012035 (VCV005012035.1).